The following is an entry in ClinVar:

ClinVar aggregate classification (germline): Uncertain significance (1 of 4 stars; one submission).

Submission:

Labcorp Genetics (formerly Invitae), Labcorp
Classification: Uncertain significance. Last evaluated: 2024-11-02. Review status: criteria provided, single submitter. Criteria: Invitae Variant Classification Sherloc (09022015). Collection method: clinical testing. Allele origin: germline.
Comment: This sequence change replaces serine, which is neutral and polar, with threonine, which is neutral and polar, at codon 992 of the SALL2 protein (p.Ser992Thr). This variant is not present in population databases (gnomAD no frequency). This variant has not been reported in the literature in individuals affected with SALL2-related conditions. An algorithm developed to predict the effect of missense changes on protein structure and function outputs the following: PolyPhen-2: "Benign". The threonine amino acid residue is found in multiple mammalian species, which suggests that this missense change does not adversely affect protein function. In summary, the available evidence is currently insufficient to determine the role of this variant in disease. Therefore, it has been classified as a Variant of Uncertain Significance.

NM_001364564.1(SALL2):c.2968T>A (p.Ser990Thr)

Gene: SALL2 (spalt like transcription factor 2; minus strand). Cytogenetic location: 14q11.2.
Variant type: single nucleotide variant.
Coding change: c.2968T>A on transcript NM_001364564.1 (MANE Select); coding-DNA position 2968, T replaced by A.
Protein change: p.Ser990Thr; replaces serine 990 with threonine.
Molecular consequence: missense variant. On other transcripts: intron variant (2).
Genome position (GRCh38, 1-based): chr14:21,522,754, A>T on the plus strand (T>A on the coding strand, the complement: SALL2 is on the minus strand). VCF-style: chr14-21522754-A-T. GRCh37 (hg19) VCF-style: chr14-21990888-A-T.
Other names: c.2974T>A, p.Ser992Thr (NM_005407.3); c.2490+79T>A (NM_001291446.2); c.2484+79T>A (NM_001291447.2); short protein forms S990T, S992T.
Identifiers: ClinVar variation 3724449 (VCV003724449.2).